The following is an entry in ClinVar:

ClinVar aggregate classification (germline): Pathogenic (1 of 4 stars; one submission).

Submission:

Labcorp Genetics (formerly Invitae), Labcorp
Classification: Pathogenic. Last evaluated: 2024-02-24. Review status: criteria provided, single submitter. Criteria: Invitae Variant Classification Sherloc (09022015). Collection method: clinical testing. Allele origin: germline.
Comment: This sequence change replaces glycine, which is neutral and non-polar, with glutamic acid, which is acidic and polar, at codon 333 of the COL4A3 protein (p.Gly333Glu). This variant is not present in population databases (gnomAD no frequency). This missense change has been observed in individual(s) with autosomal dominant alport syndrome (PMID: 29089023). It has also been observed to segregate with disease in related individuals. ClinVar contains an entry for this variant (Variation ID: 2203278). Advanced modeling of protein sequence and biophysical properties (such as structural, functional, and spatial information, amino acid conservation, physicochemical variation, residue mobility, and thermodynamic stability) performed at Invitae indicates that this missense variant is expected to disrupt COL4A3 protein function with a positive predictive value of 80%. This variant disrupts the p.Gly333 amino acid residue in COL4A3. Other variant(s) that disrupt this residue have been observed in individuals with COL4A3-related conditions (Invitae), which suggests that this may be a clinically significant amino acid residue. For these reasons, this variant has been classified as Pathogenic.

Literature cited by the submitters: PubMed 29089023.

NM_000091.5(COL4A3):c.998G>A (p.Gly333Glu)

Genes: COL4A3 (collagen type IV alpha 3 chain; plus strand), MFF-DT (MFF divergent transcript; minus strand). Cytogenetic location: 2q36.3.
Variant type: single nucleotide variant.
Coding change: c.998G>A on transcript NM_000091.5 (MANE Select); coding-DNA position 998, G replaced by A.
Protein change: p.Gly333Glu; replaces glycine 333 with glutamic acid.
Molecular consequence: missense variant.
Genome position (GRCh38, 1-based): chr2:227,257,613, G>A. VCF-style: chr2-227257613-G-A. GRCh37 (hg19) VCF-style: chr2-228122329-G-A.
Other names: short protein forms G333E.
Identifiers: ClinVar variation 2203278 (VCV002203278.4), dbSNP rs1057519376, ClinGen allele CA350867496.